The following is an entry in ClinVar:

ClinVar aggregate classification (germline): Uncertain significance (1 of 4 stars; one submission).

Conditions:
Hereditary cancer-predisposing syndrome. Also called: Tumor predisposition; Hereditary Cancer Syndrome; Neoplastic Syndromes, Hereditary; Hereditary neoplastic syndrome. Identifiers: Orphanet 140162, MedGen C0027672, MeSH D009386, MONDO:0015356.

Submission:

Ambry Genetics
Classification: Uncertain significance for Hereditary cancer-predisposing syndrome. Last evaluated: 2025-07-15. Review status: criteria provided, single submitter. Criteria: Ambry Variant Classification Scheme 2023. Collection method: clinical testing. Allele origin: germline.
Comment: The p.Y972C variant (also known as c.2915A>G), located in coding exon 17 of the DICER1 gene, results from an A to G substitution at nucleotide position 2915. The tyrosine at codon 972 is replaced by cysteine, an amino acid with highly dissimilar properties. This nucleotide position is highly conserved in available vertebrate species. This amino acid position is highly conserved in available vertebrate species. In addition, the in silico prediction for this alteration is inconclusive. Since supporting evidence is limited at this time, the clinical significance of this alteration remains unclear.

NM_177438.3(DICER1):c.2915A>G (p.Tyr972Cys)

Gene: DICER1 (dicer 1, ribonuclease III; minus strand). Cytogenetic location: 14q32.13.
Variant type: single nucleotide variant.
Coding change: c.2915A>G on transcript NM_177438.3 (MANE Select); coding-DNA position 2915, A replaced by G.
Protein change: p.Tyr972Cys; replaces tyrosine 972 with cysteine.
Molecular consequence: missense variant.
Genome position (GRCh38, 1-based): chr14:95,106,113, T>C on the plus strand (A>G on the coding strand, the complement: DICER1 is on the minus strand). VCF-style: chr14-95106113-T-C. GRCh37 (hg19) VCF-style: chr14-95572450-T-C.
Other names: c.2915A>G, p.Tyr972Cys (NM_001195573.1, NM_001271282.3, NM_001291628.2 and 1 more transcripts); short protein forms Y972C.
Identifiers: ClinVar variation 821971 (VCV000821971.5), dbSNP rs1595373932, ClinGen allele CA390878961.